The following is an entry in ClinVar:

ClinVar aggregate classification (germline): Uncertain significance. Review status: criteria provided, multiple submitters, no conflicts (2 of 4 stars). 2 submissions from 2 submitters: Uncertain significance (2). Last evaluated 2025-07-03.

Conditions:
Hereditary cancer-predisposing syndrome. Also called: Neoplastic Syndromes, Hereditary; Tumor predisposition; Hereditary neoplastic syndrome; Hereditary Cancer Syndrome. Identifiers: Orphanet 140162, MedGen C0027672, MeSH D009386, MONDO:0015356.
Hereditary nonpolyposis colorectal neoplasms. Identifiers: MedGen C0009405, MeSH D003123.

Allele frequency attached by ClinVar (database versions not stated): gnomAD exomes below 0.00001.
gnomAD v4.1: 1 of 1,614,072 alleles (0.000062%); highest among the groups gnomAD compares: Non-Finnish European, 0.000085%; no homozygotes.

Submissions (2):

Ambry Genetics
Classification: Uncertain significance for Hereditary cancer-predisposing syndrome. Last evaluated: 2025-07-03. Review status: criteria provided, single submitter. Criteria: Ambry Variant Classification Scheme 2023. Collection method: clinical testing. Allele origin: germline.
Comment: The p.G1265R variant (also known as c.3793G>A), located in coding exon 8 of the MSH6 gene, results from a G to A substitution at nucleotide position 3793. The glycine at codon 1265 is replaced by arginine, an amino acid with dissimilar properties. This amino acid position is highly conserved in available vertebrate species. In addition, this alteration is predicted to be deleterious by in silico analysis. Based on the available evidence, the clinical significance of this variant remains unclear.

Labcorp Genetics (formerly Invitae), Labcorp
Classification: Uncertain significance for Hereditary nonpolyposis colorectal neoplasms. Last evaluated: 2021-12-08. Review status: criteria provided, single submitter. Criteria: Invitae Variant Classification Sherloc (09022015). Collection method: clinical testing. Allele origin: germline.
Comment: In summary, the available evidence is currently insufficient to determine the role of this variant in disease. Therefore, it has been classified as a Variant of Uncertain Significance. Algorithms developed to predict the effect of sequence changes on RNA splicing suggest that this variant may create or strengthen a splice site. Advanced modeling of protein sequence and biophysical properties (such as structural, functional, and spatial information, amino acid conservation, physicochemical variation, residue mobility, and thermodynamic stability) performed at Invitae indicates that this missense variant is expected to disrupt MSH6 protein function. This variant has not been reported in the literature in individuals affected with MSH6-related conditions. This variant is not present in population databases (gnomAD no frequency). This sequence change replaces glycine, which is neutral and non-polar, with arginine, which is basic and polar, at codon 1265 of the MSH6 protein (p.Gly1265Arg).

NM_000179.3(MSH6):c.3793G>A (p.Gly1265Arg)

Gene: MSH6 (mutS homolog 6; plus strand). Cytogenetic location: 2p16.3.
Variant type: single nucleotide variant.
Coding change: c.3793G>A on transcript NM_000179.3 (MANE Select); coding-DNA position 3793, G replaced by A.
Protein change: p.Gly1265Arg; replaces glycine 1265 with arginine.
Molecular consequence: missense variant.
Genome position (GRCh38, 1-based): chr2:47,806,350, G>A. VCF-style: chr2-47806350-G-A. GRCh37 (hg19) VCF-style: chr2-48033489-G-A.
Other names: c.3403G>A, p.Gly1135Arg (NM_001281492.2); c.2887G>A, p.Gly963Arg (NM_001281493.2, NM_001281494.2); short protein forms G963R, G1135R, G1265R.
Identifiers: ClinVar variation 1364260 (VCV001364260.9), dbSNP rs754469538, ClinGen allele CA46719541.